The following is an entry in ClinVar:

Conditions:
Arteriohepatic dysplasia. Also called: Alagille Syndrome. Identifiers: Orphanet 52, MedGen C0085280, MeSH D016738, MONDO:0007318.

Submission:

Gilbert/Spinner Lab, Children's Hospital of Philadelphia
No classification provided (evidence only). Condition: Alagille syndrome. Review status: no classification provided. Collection method: research. Allele origin: not applicable. Functional consequence: functionally_abnormal.
ClinVar note: "not provided" was previously submitted as the classification for the variant. However, the classification appeared to be based only on an observation of functional data so it was converted to no classification on 2025-07-30.

NM_000214.3(JAG1):c.126G>C (p.Met42Ile)

Gene: JAG1 (jagged canonical Notch ligand 1; minus strand). Cytogenetic location: 20p12.2.
Variant type: single nucleotide variant.
Coding change: c.126G>C on transcript NM_000214.3 (MANE Select); coding-DNA position 126, G replaced by C.
Protein change: p.Met42Ile; replaces methionine 42 with isoleucine.
Molecular consequence: missense variant.
Genome position (GRCh38, 1-based): chr20:10,672,962, C>G on the plus strand (G>C on the coding strand, the complement: JAG1 is on the minus strand). VCF-style: chr20-10672962-C-G. GRCh37 (hg19) VCF-style: chr20-10653610-C-G.
Other names: short protein forms M42I.
Identifiers: ClinVar variation 3573240 (VCV003573240.2).
Genomic context (GRCh38, chr20:10,672,962, plus strand): 5'-TCCCGGGTTCCGGGCGCCGCCGCAGCAGTTCCCGTTCTGCAGCTCCCCGTTCACGTTCTG[C>G]ATGGACAGGATCTCCAACTCGAACTGACCCGAGGCCCCACACACCTGCCGGCGAGGGAAG-3'
Protein context (NP_000205.1, residues 32-52): SGQFELEILS[Met42Ile]QNVNGELQNG